The following is an entry in ClinVar:

ClinVar aggregate classification (germline): Uncertain significance (1 of 4 stars; one submission).

Conditions:
Familial thoracic aortic aneurysm and aortic dissection (TAAD). Also called: Thoracic aortic aneurysms and dissections. Identifiers: Orphanet 91387, MedGen C4707243, MONDO:0019625.

gnomAD v4.1: 1 of 1,613,976 alleles (0.000062%); no homozygotes.

Submission:

Ambry Genetics
Classification: Uncertain significance for Familial thoracic aortic aneurysm and aortic dissection. Last evaluated: 2026-05-20. Review status: criteria provided, single submitter. Criteria: Ambry Variant Classification Scheme 2023. Collection method: clinical testing. Allele origin: germline.
Comment: The p.H75R variant (also known as c.224A>G), located in coding exon 2 of the ACTA2 gene, results from an A to G substitution at nucleotide position 224. The histidine at codon 75 is replaced by arginine, an amino acid with highly similar properties. This amino acid position is conserved. In addition, this alteration is predicted to be deleterious by in silico analysis. Based on the available evidence, the clinical significance of this variant remains unclear.

NM_001613.4(ACTA2):c.224A>G (p.His75Arg)

Gene: ACTA2 (actin alpha 2, smooth muscle; minus strand). Cytogenetic location: 10q23.31.
Variant type: single nucleotide variant.
Coding change: c.224A>G on transcript NM_001613.4 (MANE Select); coding-DNA position 224, A replaced by G.
Protein change: p.His75Arg; replaces histidine 75 with arginine.
Molecular consequence: missense variant. On other transcripts: intron variant (3).
Genome position (GRCh38, 1-based): chr10:88,947,292, T>C on the plus strand (A>G on the coding strand, the complement: ACTA2 is on the minus strand). VCF-style: chr10-88947292-T-C. GRCh37 (hg19) VCF-style: chr10-90707049-T-C.
Other names: c.224A>G, p.His75Arg (NM_001141945.3, NM_001320855.2, NM_001406462.1 and 4 more transcripts); c.129+1510A>G (NM_001406467.1, NM_001406468.1, NM_001406469.1); short protein forms H75R.
Identifiers: ClinVar variation 4867284 (VCV004867284.1).